The following is an entry in ClinVar:

NM_002417.5(MKI67):c.1115G>T (p.Arg372Ile)

Gene: MKI67 (marker of proliferation Ki-67; minus strand). Cytogenetic location: 10q26.2.
Variant type: single nucleotide variant.
Coding change: c.1115G>T on transcript NM_002417.5 (MANE Select); coding-DNA position 1115, G replaced by T.
Protein change: p.Arg372Ile; replaces arginine 372 with isoleucine.
Molecular consequence: missense variant. On other transcripts: intron variant (1).
Genome position (GRCh38, 1-based): chr10:128,115,293, C>A on the plus strand (G>T on the coding strand, the complement: MKI67 is on the minus strand). VCF-style: chr10-128115293-C-A. GRCh37 (hg19) VCF-style: chr10-129913557-C-A.
Other names: c.400+1198G>T (NM_001145966.2); short protein forms R372I.
Identifiers: ClinVar variation 3054646 (VCV003054646.2), dbSNP rs1852776470, ClinGen allele CA378738125.

ClinVar aggregate classification (germline): Uncertain significance (0 of 4 stars; one submission).

Conditions:
MKI67-related disorder. Also called: MKI67-related condition.

Allele frequency attached by ClinVar (database versions not stated): gnomAD 0.00001; TOPMed 0.00001.
gnomAD v4.1: 2 of 1,613,946 alleles (0.00012%); highest among the groups gnomAD compares: African/African-American, 0.0013%; no homozygotes.

Submission:

PreventionGenetics, part of Exact Sciences
Classification: Uncertain significance for MKI67-related condition. Last evaluated: 2024-01-03. Review status: no assertion criteria provided. Collection method: clinical testing. Allele origin: germline.
Comment: The MKI67 c.1115G>T variant is predicted to result in the amino acid substitution p.Arg372Ile. To our knowledge, this variant has not been reported in the literature or in a large population database, indicating this variant is rare. At this time, the clinical significance of this variant is uncertain due to the absence of conclusive functional and genetic evidence.